The following is an entry in ClinVar:

ClinVar aggregate classification (germline): Pathogenic (1 of 4 stars; one submission).

Submission:

Quest Diagnostics Nichols Institute San Juan Capistrano
Classification: Pathogenic. Last evaluated: 2024-03-12. Review status: criteria provided, single submitter. Criteria: ACMG/ClinGen CNV Guidelines, 2019. Collection method: clinical testing. Allele origin: unknown.
Comment: This loss overlaps SIN3A (OMIM 607776) and the 15q24.2 microdeletion syndromic region (BP-C to BP-D) (OMIM 613406; ISCA: 46300; Balasubramanian 2021, Mefford 2012, Samuelsson 2015, Sleyp 2016, Witteveen 2016). Haploinsufficiency of SIN3A is associated with Witteveen-Kolk syndrome (OMIM 613406). Therefore, this copy number variant (CNV) is classified as pathogenic. References: Balasubramanian et al., Eur J Hum Genet. 2021 Apr;29(4):625-636. PMID: 33437032; Mefford et al., J Med Genet. 2012 Feb;49(2):110-8. PMID: 22180641; Samuelsson et al., Eur J Med Genet. 2015 Feb;58(2):111-5. PMID: 25527279; Sleyp et al., Clin Dysmorphol. 2020 Oct;29(4):210-213. PMID: 32639238; Witteveen et al., Nat Genet. 2016 Aug;48(8):877-87. PMID: 27399968

GRCh37/hg19 15q24.2(chr15:75601120-76081362)x1

Genes: CIMAP1C (ciliary microtubule associated protein 1C; plus strand), COMMD4 (COMM domain containing 4; plus strand), CSPG4 (chondroitin sulfate proteoglycan 4; minus strand), IMP3 (IMP U3 small nucleolar ribonucleoprotein 3; minus strand), MAN2C1 (mannosidase alpha class 2C member 1; minus strand) and 5 more. Cytogenetic location: 15q24.2.
Variant type: copy number loss.
Change: copy number 1 (one copy instead of two) of chr15:75,601,120-76,081,362 (480.2 kb, GRCh37 coordinates, 1-based), cytogenetic band 15q24.2.
Identifiers: ClinVar variation 2685524 (VCV002685524.1).